The following is an entry in ClinVar:

NM_005188.4(CBL):c.858C>G (p.His286Gln)

Gene: CBL (Cbl proto-oncogene; plus strand). Cytogenetic location: 11q23.3.
Variant type: single nucleotide variant.
Coding change: c.858C>G on transcript NM_005188.4 (MANE Select); coding-DNA position 858, C replaced by G.
Protein change: p.His286Gln; replaces histidine 286 with glutamine.
Molecular consequence: missense variant.
Genome position (GRCh38, 1-based): chr11:119,274,942, C>G. VCF-style: chr11-119274942-C-G. GRCh37 (hg19) VCF-style: chr11-119145652-C-G.
Other names: short protein forms H286Q.
Identifiers: ClinVar variation 4868251 (VCV004868251.1).

ClinVar aggregate classification (germline): Uncertain significance (1 of 4 stars; one submission).

Conditions:
Cardiovascular phenotype. Identifiers: MedGen CN230736.

gnomAD v4.1: 1 of 1,613,992 alleles (0.000062%); highest among the groups gnomAD compares: South Asian, 0.0011%; no homozygotes.

Submission:

Ambry Genetics
Classification: Uncertain significance for Cardiovascular phenotype. Last evaluated: 2026-05-14. Review status: criteria provided, single submitter. Criteria: Ambry Variant Classification Scheme 2023. Collection method: clinical testing. Allele origin: germline.
Comment: The p.H286Q variant (also known as c.858C>G), located in coding exon 5 of the CBL gene, results from a C to G substitution at nucleotide position 858. The histidine at codon 286 is replaced by glutamine, an amino acid with highly similar properties. This amino acid position is conserved. In addition, the in silico prediction for this alteration is inconclusive. Based on the available evidence, the clinical significance of this variant remains unclear.